The following is an entry in ClinVar:

NM_001004334.4(GPR179):c.2914C>G (p.Pro972Ala)

Gene: GPR179 (G protein-coupled receptor 179; minus strand). Cytogenetic location: 17q12.
Variant type: single nucleotide variant.
Coding change: c.2914C>G on transcript NM_001004334.4 (MANE Select); coding-DNA position 2914, C replaced by G.
Protein change: p.Pro972Ala; replaces proline 972 with alanine.
Molecular consequence: missense variant.
Genome position (GRCh38, 1-based): chr17:38,330,655, G>C on the plus strand (C>G on the coding strand, the complement: GPR179 is on the minus strand). VCF-style: chr17-38330655-G-C. GRCh37 (hg19) VCF-style: chr17-36486538-G-C.
Other names: short protein forms P972A.
Identifiers: ClinVar variation 1392623 (VCV001392623.6), dbSNP rs1438517043, ClinGen allele CA398881190.

ClinVar aggregate classification (germline): Uncertain significance (1 of 4 stars; one submission).

Allele frequency attached by ClinVar (database versions not stated): TOPMed below 0.00001.

Submission:

Labcorp Genetics (formerly Invitae), Labcorp
Classification: Uncertain significance. Last evaluated: 2021-11-11. Review status: criteria provided, single submitter. Criteria: Invitae Variant Classification Sherloc (09022015). Collection method: clinical testing. Allele origin: germline.
Comment: In summary, the available evidence is currently insufficient to determine the role of this variant in disease. Therefore, it has been classified as a Variant of Uncertain Significance. Algorithms developed to predict the effect of missense changes on protein structure and function are either unavailable or do not agree on the potential impact of this missense change (SIFT: "Tolerated"; PolyPhen-2: "Possibly Damaging"; Align-GVGD: "Class C0"). This variant has not been reported in the literature in individuals affected with GPR179-related conditions. This variant is not present in population databases (gnomAD no frequency). This sequence change replaces proline, which is neutral and non-polar, with alanine, which is neutral and non-polar, at codon 972 of the GPR179 protein (p.Pro972Ala).